The following is an entry in ClinVar:

NM_001194.4(HCN2):c.1639A>T (p.Asn547Tyr)

Gene: HCN2 (hyperpolarization activated cyclic nucleotide gated potassium and sodium channel 2; plus strand). Cytogenetic location: 19p13.3.
Variant type: single nucleotide variant.
Coding change: c.1639A>T on transcript NM_001194.4 (MANE Select); coding-DNA position 1639, A replaced by T.
Protein change: p.Asn547Tyr; replaces asparagine 547 with tyrosine.
Molecular consequence: missense variant.
Genome position (GRCh38, 1-based): chr19:613,302, A>T. VCF-style: chr19-613302-A-T. GRCh37 (hg19) VCF-style: chr19-613302-A-T.
Other names: short protein forms N547Y.
Identifiers: ClinVar variation 4083008 (VCV004083008.1).
Genomic context (GRCh38, chr19:613,302, plus strand): 5'-CTGCAGGAGATCGTCAACTTCAACTGCCGGAAGCTGGTGGCCTCCATGCCGCTGTTCGCC[A>T]ACGCCGACCCCAACTTCGTCACGGCCATGCTGACCAAGCTCAAGTTCGAGGTCTTCCAGC-3'
Protein context (NP_001185.3, residues 537-557): KLVASMPLFA[Asn547Tyr]ADPNFVTAML

ClinVar aggregate classification (germline): Uncertain significance (1 of 4 stars; one submission).

Submission:

GeneDx
Classification: Uncertain significance. Last evaluated: 2025-03-11. Review status: criteria provided, single submitter. Criteria: GeneDx Variant Classification Process June 2021. Collection method: clinical testing. Allele origin: germline. Affected: yes.
Comment: Not observed at significant frequency in large population cohorts (gnomAD); In silico analysis supports that this missense variant has a deleterious effect on protein structure/function; Has not been previously published as pathogenic or benign to our knowledge